The following is an entry in ClinVar:

ClinVar aggregate classification (germline): Likely benign (0 of 4 stars; one submission).

Conditions:
TRPA1-related disorder. Also called: TRPA1-related condition.

Submission:

PreventionGenetics, part of Exact Sciences
Classification: Likely benign for TRPA1-related condition. Last evaluated: 2020-03-23. Review status: no assertion criteria provided. Collection method: clinical testing. Allele origin: germline.
Comment: This variant is classified as likely benign based on ACMG/AMP sequence variant interpretation guidelines (Richards et al. 2015 PMID: 25741868, with internal and published modifications).

NM_007332.3(TRPA1):c.1917T>C (p.Asp639=)

Genes: MSC-AS1 (MSC antisense RNA 1; plus strand), TRPA1 (transient receptor potential cation channel subfamily A member 1; minus strand). Cytogenetic location: 8q21.11.
Variant type: single nucleotide variant.
Coding change: c.1917T>C on transcript NM_007332.3 (MANE Select); coding-DNA position 1917, T replaced by C.
Protein change: p.Asp639=; no amino-acid change (aspartic acid 639 retained).
Molecular consequence: synonymous variant.
Genome position (GRCh38, 1-based): chr8:72,047,196, A>G on the plus strand (T>C on the coding strand, the complement: TRPA1 is on the minus strand). VCF-style: chr8-72047196-A-G. GRCh37 (hg19) VCF-style: chr8-72959431-A-G.
Identifiers: ClinVar variation 3047285 (VCV003047285.2), dbSNP rs2487597689, ClinGen allele CA461339793.